The following is an entry in ClinVar:

NM_001009944.3(PKD1):c.9334T>C (p.Cys3112Arg)

Gene: PKD1 (polycystin 1, transient receptor potential channel interacting; minus strand). Cytogenetic location: 16p13.3.
Variant type: single nucleotide variant.
Coding change: c.9334T>C on transcript NM_001009944.3 (MANE Select); coding-DNA position 9334, T replaced by C.
Protein change: p.Cys3112Arg; replaces cysteine 3112 with arginine.
Molecular consequence: missense variant.
Genome position (GRCh38, 1-based): chr16:2,102,124, A>G on the plus strand (T>C on the coding strand, the complement: PKD1 is on the minus strand). VCF-style: chr16-2102124-A-G. GRCh37 (hg19) VCF-style: chr16-2152125-A-G.
Other names: c.9334T>C, p.Cys3112Arg (NM_000296.4); short protein forms C3112R.
Identifiers: ClinVar variation 1327838 (VCV001327838.4), dbSNP rs1405051804, ClinGen allele CA394357831.

ClinVar aggregate classification (germline): Uncertain significance. Review status: criteria provided, multiple submitters, no conflicts (2 of 4 stars). 3 submissions from 3 submitters: Uncertain significance (3). Last evaluated 2026-01-29.

Conditions:
PKD1-related disorder. Also called: PKD1-related condition.
Polycystic kidney disease, adult type (PKD1). Also called: POLYCYSTIC KIDNEY DISEASE, ADULT, TYPE I; Polycystic Kidney Disease 1, Autosomal Dominant; Polycystic kidney disease 1; Polycystic kidney disease 1, severe; Polycystic Kidney, Autosomal Dominant; POLYCYSTIC KIDNEY DISEASE 1 WITH OR WITHOUT POLYCYSTIC LIVER DISEASE. Identifiers: MedGen C3149841, MONDO:0008263, OMIM 173900.

Allele frequency attached by ClinVar (database versions not stated): gnomAD 0.00002; TOPMed 0.00002.

Submissions (3):

PreventionGenetics, part of Exact Sciences
Classification: Uncertain significance for PKD1-related condition. Last evaluated: 2026-01-29. Review status: criteria provided, single submitter. Criteria: ACMG Guidelines, 2015. Collection method: clinical testing. Allele origin: germline.
Comment: The PKD1 c.9334T>C variant is predicted to result in the amino acid substitution p.Cys3112Arg. To our knowledge, this variant has not been reported in the literature or in a large population database (gnomAD), indicating this variant is rare. At PreventionGenetics, this variant was found in two individuals with polycystic kidney disease (PKD) (internal data). Of note, different substitutions at the same codon have been reported in individuals with autosomal dominant polycystic kidney disease (ADPKD) [p.Cys3112Phe in Yu et al. 2011. PubMed ID: 22185115; p.Cys3112Tyr in Li et al. 2022. PubMed ID: 34739738 (the other PKD1 variant p.Gly3560Arg in the same patient is benign)]. Although we suspect that the c.9334T>C (p.Cys3112Arg) variant is pathogenic, at this time, the clinical significance of this variant is uncertain due to the absence of conclusive functional and genetic evidence.

Fulgent Genetics
Classification: Uncertain significance for Polycystic kidney disease, adult type. Last evaluated: 2024-03-14. Review status: criteria provided, single submitter. Criteria: ACMG Guidelines, 2015. Collection method: clinical testing. Allele origin: germline.

GeneDx
Classification: Uncertain significance. Last evaluated: 2021-06-08. Review status: criteria provided, single submitter. Criteria: GeneDx Variant Classification Process June 2021. Collection method: clinical testing. Allele origin: germline. Affected: yes.
Comment: Not observed at significant frequency in large population cohorts (Lek et al., 2016); In silico analysis supports that this missense variant has a deleterious effect on protein structure/function; Has not been previously published as pathogenic or benign to our knowledge; This variant is associated with the following publications: (PMID: 27535533)